The following is an entry in ClinVar:

NM_001267550.2(TTN):c.59315C>T (p.Pro19772Leu)

Genes: TTN (titin; minus strand), TTN-AS1 (TTN antisense RNA 1; plus strand), LOC126806424 (CDK7 strongly-dependent group 2 enhancer GRCh37_chr2:179456337-179457536; plus strand). Cytogenetic location: 2q31.2.
Variant type: single nucleotide variant.
Coding change: c.59315C>T on transcript NM_001267550.2 (MANE Select); coding-DNA position 59315, C replaced by T.
Protein change: p.Pro19772Leu; replaces proline 19772 with leucine.
Molecular consequence: missense variant.
Genome position (GRCh38, 1-based): chr2:178,592,804, G>A on the plus strand (C>T on the coding strand, the complement: TTN is on the minus strand). VCF-style: chr2-178592804-G-A. GRCh37 (hg19) VCF-style: chr2-179457531-G-A.
Other names: p.P18131L:CCG>CTG; c.54392C>T, p.Pro18131Leu (NM_001256850.1); c.32120C>T, p.Pro10707Leu (NM_003319.4); c.51611C>T, p.Pro17204Leu (NM_133378.4); c.32495C>T, p.Pro10832Leu (NM_133432.3); c.32696C>T, p.Pro10899Leu (NM_133437.4); short protein forms P19772L, P17204L, P18131L, P10832L, P10707L, P10899L.
Identifiers: ClinVar variation 47148 (VCV000047148.55), dbSNP rs72646840, ClinGen allele CA140134.
Genomic context (GRCh38, chr2:178,592,804, plus strand): 5'-TTGCAAACACAAGTGAGAGCATTTTACTCACCAAGCCTGTCTTTTACTAGGACTGGCTCC[G>A]GAACATGAGCTGGATCTGATTCACCAGCTGCATTGACTGCTAACACTCTAAACTTATAGG-3'
Protein context (NP_001254479.2, residues 19762-19782): AAGESDPAHV[Pro19772Leu]EPVLVKDRLE

ClinVar aggregate classification (germline): Benign/Likely benign. Review status: criteria provided, multiple submitters, no conflicts (2 of 4 stars). 21 submissions from 18 submitters: Benign (10); Likely benign (7). 4 of the submissions do not count toward it. Last evaluated 2026-02-03.

Conditions:
Dilated cardiomyopathy 1G (CMD1G). Identifiers: Orphanet 154, MedGen C1858763, MONDO:0011400, OMIM 604145.
Autosomal recessive limb-girdle muscular dystrophy type 2J (LGMDR10). Also called: MUSCULAR DYSTROPHY, LIMB-GIRDLE, AUTOSOMAL RECESSIVE 10; Limb-girdle muscular dystrophy, type 2J. Identifiers: Orphanet 140922, MedGen C1837342, MONDO:0012127, OMIM 608807.
Cardiovascular phenotype. Identifiers: MedGen CN230736.
Early-onset myopathy with fatal cardiomyopathy (CMYO5). Also called: CONGENITAL MYOPATHY 5 WITH CARDIOMYOPATHY; Salih Myopathy. Identifiers: Orphanet 289377, MedGen C2673677, MONDO:0012714, OMIM 611705. Disease mechanism: loss of function.
Myopathy, myofibrillar, 9, with early respiratory failure (MFM9). Also called: Myopathy, distal, with early respiratory failure, autosomal dominant; Hereditary myopathy with early respiratory failure; MYOPATHY, PROXIMAL, WITH EARLY RESPIRATORY MUSCLE INVOLVEMENT; EDSTROM MYOPATHY. Identifiers: Orphanet 178464, Orphanet 34521, MedGen C1863599, MONDO:0011362, OMIM 603689.
Tibial muscular dystrophy (TMD). Also called: Udd Distal Myopathy – Tibial Muscular Dystrophy; Tibial muscular dystrophy, tardive; UDD MYOPATHY. Identifiers: Orphanet 609, MedGen C1838244, MONDO:0010870, OMIM 600334.

Allele frequency attached by ClinVar (database versions not stated): TOPMed 0.00376; ExAC 0.00095; gnomAD exomes 0.00085; 1000 Genomes Project 30x 0.00219; 1000 Genomes Project 0.00240; ESP Exome Variant Server 0.00282; gnomAD 0.00274.
gnomAD v4.1: 1,109 of 1,613,466 alleles (0.069%); highest among the groups gnomAD compares: African/African-American, 1.1%; 5 homozygotes.

Submissions (21):

Labcorp Genetics (formerly Invitae), Labcorp
Classification: Benign for Dilated cardiomyopathy 1G; Autosomal recessive limb-girdle muscular dystrophy type 2J. Last evaluated: 2026-02-03. Review status: criteria provided, single submitter. Criteria: Invitae Variant Classification Sherloc (09022015). Collection method: clinical testing. Allele origin: germline.

CeGaT Center for Human Genetics Tuebingen
Classification: Likely benign. Last evaluated: 2025-05-01. Review status: criteria provided, single submitter. Criteria: CeGaT Center For Human Genetics Tuebingen Variant Classification Criteria Version 2. Collection method: clinical testing. Allele origin: germline. Affected: yes. Observed: 2 variant alleles.
Comment: TTN: BS1

Molecular Diagnostic Laboratory for Inherited Cardiovascular Disease, Montreal Heart Institute
Classification: Likely benign. Last evaluated: 2025-04-09. Review status: criteria provided, single submitter. Criteria: ACMG Guidelines, 2015. Collection method: clinical testing. Allele origin: germline. Affected: no.

ARUP Laboratories, Molecular Genetics and Genomics, ARUP Laboratories
Classification: Benign. Last evaluated: 2025-03-25. Review status: criteria provided, single submitter. Criteria: ARUP Molecular Germline Variant Investigation Process 2024. Collection method: clinical testing. Allele origin: germline.

Mayo Clinic Laboratories, Mayo Clinic
Classification: Likely benign. Last evaluated: 2025-02-04. Review status: criteria provided, single submitter. Criteria: ACMG Guidelines, 2015. Collection method: clinical testing. Allele origin: germline. Observed: 11 variant alleles.
Comment: BS1, BP4

Blueprint Genetics
Classification: Likely benign. Last evaluated: 2024-11-25. Review status: criteria provided, single submitter. Criteria: ACMG Guidelines, 2015. Collection method: clinical testing. Allele origin: germline.

Genome-Nilou Lab
Classification: Benign for Autosomal recessive limb-girdle muscular dystrophy type 2J. Last evaluated: 2021-09-10. Review status: criteria provided, single submitter. Criteria: ACMG Guidelines, 2015. Collection method: clinical testing. Allele origin: germline. Affected: no.

Genome-Nilou Lab
Classification: Benign for Myopathy, myofibrillar, 9, with early respiratory failure. Last evaluated: 2021-09-10. Review status: criteria provided, single submitter. Criteria: ACMG Guidelines, 2015. Collection method: clinical testing. Allele origin: germline. Affected: no.

Genome-Nilou Lab
Classification: Benign for Early-onset myopathy with fatal cardiomyopathy. Last evaluated: 2021-09-10. Review status: criteria provided, single submitter. Criteria: ACMG Guidelines, 2015. Collection method: clinical testing. Allele origin: germline. Affected: no.

Genome-Nilou Lab
Classification: Benign for Tibial muscular dystrophy. Last evaluated: 2021-09-10. Review status: criteria provided, single submitter. Criteria: ACMG Guidelines, 2015. Collection method: clinical testing. Allele origin: germline. Affected: no.

Women's Health and Genetics/Laboratory Corporation of America, LabCorp
Classification: Likely benign. Last evaluated: 2021-08-08. Review status: criteria provided, single submitter. Criteria: LabCorp Variant Classification Summary - May 2015. Collection method: clinical testing. Allele origin: germline.

GeneDx
Classification: Likely benign. Last evaluated: 2020-11-27. Review status: criteria provided, single submitter. Criteria: GeneDx Variant Classification Process June 2021. Collection method: clinical testing. Allele origin: germline. Affected: yes.

Athena Diagnostics
Classification: Benign. Last evaluated: 2017-05-05. Review status: criteria provided, single submitter. Criteria: Athena Diagnostics Criteria. Collection method: clinical testing. Allele origin: germline.

Genetic Services Laboratory, University of Chicago
Classification: Likely benign. Last evaluated: 2015-08-24. Review status: criteria provided, single submitter. Criteria: ACMG Guidelines, 2015. Collection method: clinical testing. Allele origin: germline. Affected: no.

Laboratory for Molecular Medicine, Mass General Brigham Personalized Medicine
Classification: Benign. Last evaluated: 2015-05-06. Review status: criteria provided, single submitter. Criteria: LMM Criteria. Collection method: clinical testing. Allele origin: germline. Observed: 8 variant alleles.
Comment: p.Pro17204Leu in exon 249 of TTN: This variant is not expected to have clinical significance because it has been identified in 1.0% (99/9780) of African chromos omes by the Exome Aggregation Consortium (ExAC; dbSNP rs72646840).

Ambry Genetics
Classification: Benign for Cardiovascular phenotype. Last evaluated: 2013-09-18. Review status: criteria provided, single submitter. Criteria: Ambry Autosomal Dominant and X-Linked criteria (10/2015). Collection method: clinical testing. Allele origin: germline. Observed: 1 variant allele.

Eurofins Ntd Llc (ga)
Classification: Benign. Last evaluated: 2013-03-12. Review status: criteria provided, single submitter. Criteria: EGL Classification Definitions 2015. Collection method: clinical testing. Allele origin: germline. Observed: 1 variant allele, 1 heterozygote.

Clinical Genetics DNA and cytogenetics Diagnostics Lab, Erasmus MC, Erasmus Medical Center
Classification: Likely benign. Review status: no assertion criteria provided. Collection method: clinical testing. Allele origin: germline. Affected: yes. Study: VKGL Data-share Consensus. Not counted in ClinVar's aggregate classification.

Clinical Genetics, Academic Medical Center
Classification: Benign. Review status: no assertion criteria provided. Collection method: clinical testing. Allele origin: germline. Affected: yes. Study: VKGL Data-share Consensus. Not counted in ClinVar's aggregate classification.

Diagnostic Laboratory, Department of Genetics, University Medical Center Groningen
Classification: Benign. Review status: no assertion criteria provided. Collection method: clinical testing. Allele origin: germline. Affected: yes. Study: VKGL Data-share Consensus. Not counted in ClinVar's aggregate classification.

Laboratory of Diagnostic Genome Analysis, Leiden University Medical Center (LUMC)
Classification: Likely benign. Review status: no assertion criteria provided. Collection method: clinical testing. Allele origin: germline. Affected: yes. Study: VKGL Data-share Consensus. Not counted in ClinVar's aggregate classification.

Literature cited by the submitters: PubMed 27040692 (cited by Athena Diagnostics).